The following is an entry in ClinVar:

NM_001317778.2(SFTPC):c.523C>G (p.Leu175Val)

Gene: SFTPC (surfactant protein C; plus strand). Cytogenetic location: 8p21.3.
Variant type: single nucleotide variant.
Coding change: c.523C>G on transcript NM_001317778.2 (MANE Select); coding-DNA position 523, C replaced by G.
Protein change: p.Leu175Val; replaces leucine 175 with valine.
Molecular consequence: missense variant.
Genome position (GRCh38, 1-based): chr8:22,163,988, C>G. VCF-style: chr8-22163988-C-G. GRCh37 (hg19) VCF-style: chr8-22021501-C-G.
Other names: c.523C>G, p.Leu175Val (NM_001172357.2, NM_001317780.2); c.541C>G, p.Leu181Val (NM_001172410.2, NM_003018.4); c.382C>G, p.Leu128Val (NM_001317779.2); short protein forms L181V, L175V, L128V.
Identifiers: ClinVar variation 362562 (VCV000362562.21), dbSNP rs201685063, ClinGen allele CA4664075.

ClinVar aggregate classification (germline): Conflicting classifications of pathogenicity. Review status: criteria provided, conflicting classifications (1 of 4 stars). 8 submissions from 7 submitters: Uncertain significance (2); Benign (1); Likely benign (5). Last evaluated 2026-08-19.

Conditions:
Interstitial lung disease 2 (ILD2). Also called: FIBROCYSTIC PULMONARY DYSPLASIA; FIBROSING ALVEOLITIS, CRYPTOGENIC; Familial idiopathic pulmonary fibrosis. Identifiers: Orphanet 2032, Orphanet 79126, MedGen C5561926, MONDO:0800497, OMIM 178500, MONDO:0800029.
Surfactant metabolism dysfunction, pulmonary, 2 (SMDP2). Also called: DESQUAMATIVE INTERSTITIAL PNEUMONITIS DUE TO SURFACTANT PROTEIN C DEFICIENCY; INTERSTITIAL LUNG DISEASE DUE TO SURFACTANT PROTEIN C DEFICIENCY; PULMONARY ALVEOLAR PROTEINOSIS, CONGENITAL, 2. Identifiers: Orphanet 440392, MedGen C1970470, MONDO:0024465, OMIM 610913.
Hereditary pulmonary alveolar proteinosis. Also called: Pulmonary surfactant metabolism dysfunction. Identifiers: Orphanet 264675, MedGen C3711368, MONDO:0012580.

Allele frequency attached by ClinVar (database versions not stated): 1000 Genomes Project 30x 0.00016; 1000 Genomes Project 0.00020; TOPMed 0.00036; gnomAD 0.00041 and 0.00042; ESP Exome Variant Server 0.00048; gnomAD exomes 0.00051; ExAC 0.00053.
gnomAD v4.1: 679 of 1,612,686 alleles (0.042%); highest among the groups gnomAD compares: Non-Finnish European, 0.051%; no homozygotes.

Submissions (8):

Ambry Genetics
Classification: Benign for Hereditary pulmonary alveolar proteinosis. Last evaluated: 2026-08-19. Review status: criteria provided, single submitter. Criteria: Ambry Variant Classification Scheme 2023. Collection method: clinical testing. Allele origin: germline.

Labcorp Genetics (formerly Invitae), Labcorp
Classification: Likely benign. Last evaluated: 2025-12-22. Review status: criteria provided, single submitter. Criteria: Invitae Variant Classification Sherloc (09022015). Collection method: clinical testing. Allele origin: germline.

GeneDx
Classification: Uncertain significance. Last evaluated: 2025-07-08. Review status: criteria provided, single submitter. Criteria: GeneDx Variant Classification Process June 2021. Collection method: clinical testing. Allele origin: germline. Affected: yes.
Comment: In silico analysis suggests that this missense variant does not alter protein structure/function; This variant is associated with the following publications: (PMID: 25657025, 24081995, 22308375, 36622818, 18383112)

Revvity Omics, Revvity
Classification: Likely benign for Surfactant metabolism dysfunction, pulmonary, 2. Last evaluated: 2023-11-16. Review status: criteria provided, single submitter. Criteria: ACMG Guidelines, 2015. Collection method: clinical testing. Allele origin: germline.

Department of Pathology and Laboratory Medicine, Sinai Health System
Classification: Likely benign for Interstitial lung disease 2; Surfactant metabolism dysfunction, pulmonary, 2. Last evaluated: 2021-09-24. Review status: criteria provided, single submitter. Criteria: ACMG Guidelines, 2015. Collection method: research. Allele origin: germline.

Johns Hopkins Genomics, Johns Hopkins University
Classification: Uncertain significance for Surfactant metabolism dysfunction, pulmonary, 2. Last evaluated: 2020-04-10. Review status: criteria provided, single submitter. Criteria: ACMG Guidelines, 2015. Collection method: clinical testing. Allele origin: germline.
Comment: This variant has been previously reported in individuals with pulmonary disease of varying severity. SFTPC c.541C>G (rs201685063) is present in a large population dataset (gnomAD: 147/280168 total alleles; 0.052%%; no homozygotes). A single submitters in ClinVar classifies this variant as likely benign. This variant is located within an important domain of the COOH flanking propeptide. Three bioinformatic tools queried predict that the substitution would be damaging, but these algorithms have low specificity, especially for predicting gain of function or dominant negative variants. Due to insufficient evidence, we consider the clinical significance of c.541C>G to be uncertain at this time.

Illumina Laboratory Services, Illumina
Classification: Likely benign for Idiopathic fibrosing alveolitis, chronic form. Last evaluated: 2017-04-28. Review status: criteria provided, single submitter. Criteria: ICSL Variant Classification Criteria 13 December 2019. Collection method: clinical testing. Allele origin: germline.
Comment: This variant was observed as part of a predisposition screen in an ostensibly healthy population. A literature search was performed for the gene, cDNA change, and amino acid change (where applicable). Publications were found based on this search. The evidence from the literature, in combination with allele frequency data from public databases where available, was sufficient to determine this variant is unlikely to cause disease. Therefore, this variant is classified as likely benign.

Illumina Laboratory Services, Illumina
Classification: Likely benign for Surfactant metabolism dysfunction, pulmonary, 2. Last evaluated: 2017-04-28. Review status: criteria provided, single submitter. Criteria: ICSL Variant Classification Criteria 13 December 2019. Collection method: clinical testing. Allele origin: germline.
Comment: This variant was observed as part of a predisposition screen in an ostensibly healthy population. A literature search was performed for the gene, cDNA change, and amino acid change (where applicable). No publications were found based on this search. Allele frequency data from public databases allowed determination this variant is unlikely to cause disease. Therefore, this variant is classified as likely benign.

Literature cited by the submitters: PubMed 18383112 (cited by 3 submitters); PubMed 22308375 (cited by Ambry Genetics and Illumina Laboratory Services, Illumina); PubMed 24081995 (cited by 3 submitters); PubMed 25657025 (cited by 3 submitters).